The following is an entry in ClinVar:

NM_001023570.4(IQCB1):c.332C>T (p.Ala111Val)

Gene: IQCB1 (IQ motif containing B1; minus strand). Cytogenetic location: 3q13.33.
Variant type: single nucleotide variant.
Coding change: c.332C>T on transcript NM_001023570.4 (MANE Select); coding-DNA position 332, C replaced by T.
Protein change: p.Ala111Val; replaces alanine 111 with valine.
Molecular consequence: missense variant. On other transcripts: non-coding transcript variant (1).
Genome position (GRCh38, 1-based): chr3:121,826,112, G>A on the plus strand (C>T on the coding strand, the complement: IQCB1 is on the minus strand). VCF-style: chr3-121826112-G-A. GRCh37 (hg19) VCF-style: chr3-121544959-G-A.
Other names: c.332C>T, p.Ala111Val (NM_001023571.4, NM_001319107.2); short protein forms A111V.
Identifiers: ClinVar variation 2096371 (VCV002096371.4), dbSNP rs2472518818, ClinGen allele CA354111719.

ClinVar aggregate classification (germline): Uncertain significance (1 of 4 stars; one submission).

Conditions:
Nephronophthisis. Also called: Juvenile Nephronophthisis. Identifiers: Orphanet 655, MedGen C0687120, MONDO:0019005, HP:0000090.

Submission:

Labcorp Genetics (formerly Invitae), Labcorp
Classification: Uncertain significance for Nephronophthisis. Last evaluated: 2022-02-16. Review status: criteria provided, single submitter. Criteria: Invitae Variant Classification Sherloc (09022015). Collection method: clinical testing. Allele origin: germline.
Comment: In summary, the available evidence is currently insufficient to determine the role of this variant in disease. Therefore, it has been classified as a Variant of Uncertain Significance. Algorithms developed to predict the effect of missense changes on protein structure and function (SIFT, PolyPhen-2, Align-GVGD) all suggest that this variant is likely to be disruptive. This variant has not been reported in the literature in individuals affected with IQCB1-related conditions. This variant is not present in population databases (gnomAD no frequency). This sequence change replaces alanine, which is neutral and non-polar, with valine, which is neutral and non-polar, at codon 111 of the IQCB1 protein (p.Ala111Val).